The following is an entry in ClinVar:

ClinVar aggregate classification (germline): Uncertain significance (1 of 4 stars; one submission).

Conditions:
Hyperekplexia 3 (HKPX3). Also called: HYPEREKPLEXIA 3, AUTOSOMAL RECESSIVE; HYPEREKPLEXIA 3, AUTOSOMAL DOMINANT. Identifiers: Orphanet 3197, MedGen C3553288, MONDO:0013827, OMIM 614618.

Submission:

Labcorp Genetics (formerly Invitae), Labcorp
Classification: Uncertain significance for Hyperekplexia 3. Last evaluated: 2024-02-26. Review status: criteria provided, single submitter. Criteria: Invitae Variant Classification Sherloc (09022015). Collection method: clinical testing. Allele origin: germline.
Comment: This sequence change falls in intron 4 of the SLC6A5 gene. It does not directly change the encoded amino acid sequence of the SLC6A5 protein. It affects a nucleotide within the consensus splice site. This variant is not present in population databases (gnomAD no frequency). This variant has been observed in individual(s) with clinical features of hyperekplexia (Invitae). ClinVar contains an entry for this variant (Variation ID: 2001622). Variants that disrupt the consensus splice site are a relatively common cause of aberrant splicing (PMID: 17576681, 9536098). Algorithms developed to predict the effect of sequence changes on RNA splicing suggest that this variant may disrupt the consensus splice site. In summary, the available evidence is currently insufficient to determine the role of this variant in disease. Therefore, it has been classified as a Variant of Uncertain Significance.

Literature cited by the submitters: PubMed 17576681; PubMed 9536098.

NM_004211.5(SLC6A5):c.811+2dup

Gene: SLC6A5 (solute carrier family 6 member 5; plus strand). Cytogenetic location: 11p15.1.
Variant type: Duplication.
Coding change: c.811+2dup on transcript NM_004211.5 (MANE Select); the canonical splice donor site of the intron after coding-DNA position 811, one base duplicated (T; older notation c.811+2dupT).
Molecular consequence: splice donor variant.
Genome position (GRCh38, 1-based): chr11:20,607,140, T duplicated. VCF-style (leftmost placement, unchanged base first): chr11-20607139-G-GT. GRCh37 (hg19) VCF-style: chr11-20628685-G-GT.
Other names: c.109+2dup (NM_001318369.2).
Identifiers: ClinVar variation 2001622 (VCV002001622.4), dbSNP rs2494105588, ClinGen allele CA2580082859.